The following is an entry in ClinVar:

ClinVar aggregate classification (germline): Likely benign (1 of 4 stars; one submission).

gnomAD v4.1: 4 of 1,602,092 alleles (0.00025%); highest among the groups gnomAD compares: African/African-American, 0.0027%; no homozygotes.

Submission:

CeGaT Center for Human Genetics Tuebingen
Classification: Likely benign. Last evaluated: 2026-10-01. Review status: criteria provided, single submitter. Criteria: CeGaT Center For Human Genetics Tuebingen Variant Classification Criteria Version 2. Collection method: clinical testing. Allele origin: germline. Affected: yes. Observed: 1 variant allele.
Comment: UNC13A: BP4, BP7

NM_001080421.3(UNC13A):c.1578G>A (p.Thr526=)

Gene: UNC13A (unc-13 homolog A; minus strand). Cytogenetic location: 19p13.11.
Variant type: single nucleotide variant.
Coding change: c.1578G>A on transcript NM_001080421.3 (MANE Select); coding-DNA position 1578, G replaced by A.
Protein change: p.Thr526=; no amino-acid change (threonine 526 retained).
Molecular consequence: synonymous variant.
Genome position (GRCh38, 1-based): chr19:17,648,930, C>T on the plus strand (G>A on the coding strand, the complement: UNC13A is on the minus strand). VCF-style: chr19-17648930-C-T. GRCh37 (hg19) VCF-style: chr19-17759739-C-T.
Other names: c.1572G>A, p.Thr524= (NM_001387021.1, NM_001387022.1, NM_001387023.1).
Identifiers: ClinVar variation 5041804 (VCV005041804.1).